The following is an entry in ClinVar:

NM_205836.3(FBXO38):c.2404G>A (p.Ala802Thr)

Gene: FBXO38 (F-box protein 38; plus strand). Cytogenetic location: 5q32.
Variant type: single nucleotide variant.
Coding change: c.2404G>A on transcript NM_205836.3 (MANE Select); coding-DNA position 2404, G replaced by A.
Protein change: p.Ala802Thr; replaces alanine 802 with threonine.
Molecular consequence: missense variant. On other transcripts: intron variant (1).
Genome position (GRCh38, 1-based): chr5:148,427,698, G>A. VCF-style: chr5-148427698-G-A. GRCh37 (hg19) VCF-style: chr5-147807261-G-A.
Other names: c.2404G>A, p.Ala802Thr (NM_030793.5); c.1918+1997G>A (NM_001271723.2); short protein forms A802T.
Identifiers: ClinVar variation 2044979 (VCV002044979.4), dbSNP rs2531812085, ClinGen allele CA361657711.

ClinVar aggregate classification (germline): Uncertain significance (1 of 4 stars; one submission).

Conditions:
Distal hereditary motor neuropathy type 2. Identifiers: Orphanet 139525, MedGen C3711384, MeSH C580044, MONDO:0015352.

Allele frequency attached by ClinVar (database versions not stated): gnomAD exomes 0.00001.
gnomAD v4.1: 12 of 1,614,220 alleles (0.00074%); highest among the groups gnomAD compares: Non-Finnish European, 0.001%; no homozygotes.

Submission:

Labcorp Genetics (formerly Invitae), Labcorp
Classification: Uncertain significance for Distal hereditary motor neuropathy type 2. Last evaluated: 2021-12-27. Review status: criteria provided, single submitter. Criteria: Invitae Variant Classification Sherloc (09022015). Collection method: clinical testing. Allele origin: germline.
Comment: In summary, the available evidence is currently insufficient to determine the role of this variant in disease. Therefore, it has been classified as a Variant of Uncertain Significance. Algorithms developed to predict the effect of missense changes on protein structure and function are either unavailable or do not agree on the potential impact of this missense change (SIFT: "Deleterious"; PolyPhen-2: "Probably Damaging"; Align-GVGD: "Class C0"). This variant has not been reported in the literature in individuals affected with FBXO38-related conditions. This variant is not present in population databases (gnomAD no frequency). This sequence change replaces alanine, which is neutral and non-polar, with threonine, which is neutral and polar, at codon 802 of the FBXO38 protein (p.Ala802Thr).